The following is an entry in ClinVar:

NM_000059.4(BRCA2):c.2722G>T (p.Glu908Ter)

Gene: BRCA2 (BRCA2 DNA repair associated; plus strand). Cytogenetic location: 13q13.1.
Variant type: single nucleotide variant.
Coding change: c.2722G>T on transcript NM_000059.4 (MANE Select); coding-DNA position 2722, G replaced by T.
Protein change: p.Glu908Ter; replaces glutamic acid 908 with a stop codon.
Molecular consequence: nonsense.
Genome position (GRCh38, 1-based): chr13:32,337,077, G>T. VCF-style: chr13-32337077-G-T. GRCh37 (hg19) VCF-style: chr13-32911214-G-T.
Other names: short protein forms E908*.
Identifiers: ClinVar variation 1171805 (VCV001171805.5), dbSNP rs2137489223, ClinGen allele CA387773578.

ClinVar aggregate classification (germline): Pathogenic/Likely pathogenic. Review status: criteria provided, multiple submitters, no conflicts (2 of 4 stars). 2 submissions from 2 submitters: Pathogenic (1); Likely pathogenic (1). Last evaluated 2023-04-11.

Conditions:
Hereditary cancer-predisposing syndrome. Also called: Tumor predisposition; Hereditary neoplastic syndrome; Hereditary Cancer Syndrome; Neoplastic Syndromes, Hereditary. Identifiers: Orphanet 140162, MedGen C0027672, MeSH D009386, MONDO:0015356.

Submissions (2):

Quest Diagnostics Nichols Institute San Juan Capistrano
Classification: Likely pathogenic. Last evaluated: 2023-04-11. Review status: criteria provided, single submitter. Criteria: Quest Diagnostics criteria. Collection method: clinical testing. Allele origin: unknown.
Comment: This nonsense variant is predicted to cause the premature termination of BRCA2 protein synthesis. The variant has not been reported in individuals with BRCA2-related diseases in the published literature. It also has not been reported in large, multi-ethnic general populations. Based on the available information, this variant is classified as likely pathogenic.

Color Diagnostics, LLC DBA Color Health
Classification: Pathogenic for Hereditary cancer-predisposing syndrome. Last evaluated: 2022-10-06. Review status: criteria provided, single submitter. Criteria: ACMG Guidelines, 2015. Collection method: clinical testing. Allele origin: germline.
Comment: This variant changes 1 nucleotide in exon 11 of the BRCA2 gene, creating a premature translation stop signal. This variant is expected to result in an absent or non-functional protein product. To our knowledge, this variant has not been reported in individuals affected with hereditary cancer in the literature. This variant has not been identified in the general population by the Genome Aggregation Database (gnomAD). Loss of BRCA2 function is a known mechanism of disease. Based on the available evidence, this variant is classified as Pathogenic.